The following is an entry in ClinVar:

NM_182961.4(SYNE1):c.21851A>C (p.Gln7284Pro)

Gene: SYNE1 (spectrin repeat containing nuclear envelope protein 1; minus strand). Cytogenetic location: 6q25.2.
Variant type: single nucleotide variant.
Coding change: c.21851A>C on transcript NM_182961.4 (MANE Select); coding-DNA position 21851, A replaced by C.
Protein change: p.Gln7284Pro; replaces glutamine 7284 with proline.
Molecular consequence: missense variant.
Genome position (GRCh38, 1-based): chr6:152,220,852, T>G on the plus strand (A>C on the coding strand, the complement: SYNE1 is on the minus strand). VCF-style: chr6-152220852-T-G. GRCh37 (hg19) VCF-style: chr6-152541987-T-G.
Other names: c.21638A>C, p.Gln7213Pro (NM_033071.5); short protein forms Q7213P, Q7284P.
Identifiers: ClinVar variation 1800472 (VCV001800472.1), dbSNP rs2080017469, ClinGen allele CA366104264.

ClinVar aggregate classification (germline): Uncertain significance (1 of 4 stars; one submission).

Allele frequency attached by ClinVar (database versions not stated): TOPMed below 0.00001; gnomAD 0.00001.
gnomAD v4.1: 1 of 1,613,694 alleles (0.000062%); highest among the groups gnomAD compares: African/African-American, 0.0013%; no homozygotes.

Submission:

GeneDx
Classification: Uncertain significance. Last evaluated: 2022-05-16. Review status: criteria provided, single submitter. Criteria: GeneDx Variant Classification Process June 2021. Collection method: clinical testing. Allele origin: germline. Affected: yes.
Comment: Not observed at significant frequency in large population cohorts (gnomAD); In silico analysis supports that this missense variant has a deleterious effect on protein structure/function; Has not been previously published as pathogenic or benign to our knowledge